The following is an entry in ClinVar:

ClinVar aggregate classification (germline): Likely benign (0 of 4 stars; one submission).

Conditions:
BCLAF1-related disorder. Also called: BCLAF1-related condition.

Allele frequency attached by ClinVar (database versions not stated): ExAC 0.04254.

Submission:

PreventionGenetics, part of Exact Sciences
Classification: Likely benign for BCLAF1-related condition. Last evaluated: 2021-02-23. Review status: no assertion criteria provided. Collection method: clinical testing. Allele origin: germline.
Comment: This variant is classified as likely benign based on ACMG/AMP sequence variant interpretation guidelines (Richards et al. 2015 PMID: 25741868, with internal and published modifications).

NM_014739.3(BCLAF1):c.2044-3_2044-2insCAAA

Gene: BCLAF1 (BCL2 associated transcription factor 1; minus strand). Cytogenetic location: 6q23.3.
Variant type: Insertion.
Coding change: c.2044-3_2044-2insCAAA on transcript NM_014739.3 (MANE Select); 3 bases into the intron before coding-DNA position 2044 through the canonical splice acceptor site of the intron before coding-DNA position 2044, CAAA inserted.
Molecular consequence: intron variant.
Genome position: GRCh38 VCF-style: chr6-136269614-T-TTTTG. GRCh37 (hg19) VCF-style: chr6-136590752-T-TTTTG.
Other names: c.1525-3_1525-2insCAAA (NM_001386704.1, NM_001386697.1, NM_001077441.3 and 1 more transcripts); c.1519-3_1519-2insCAAA (NM_001386698.1, NM_001386696.1, NM_001386703.1); c.2038-3_2038-2insCAAA (NM_001077440.3, NM_001301038.3); c.1017-1276_1017-1275insCAAA (NM_001386699.1); c.1522-3_1522-2insCAAA (NM_001386695.1); c.2041-3_2041-2insCAAA (NM_001386694.1, NM_001386693.1); c.2044-3_2044-2insCAAA (NM_001363659.3, NM_001386701.1, NM_001386700.1).
Identifiers: ClinVar variation 3038255 (VCV003038255.2), dbSNP rs777894318, ClinGen allele CA4014368.